The following is an entry in ClinVar:

ClinVar aggregate classification (germline): Uncertain significance. Review status: criteria provided, multiple submitters, no conflicts (2 of 4 stars). 2 submissions from 2 submitters: Uncertain significance (2). Last evaluated 2025-04-01.

Conditions:
Inborn genetic diseases. Identifiers: MedGen C0950123, MeSH D030342.

Allele frequency attached by ClinVar (database versions not stated): gnomAD exomes below 0.00001; TOPMed 0.00001.

Submissions (2):

Labcorp Genetics (formerly Invitae), Labcorp
Classification: Uncertain significance. Last evaluated: 2025-04-01. Review status: criteria provided, single submitter. Criteria: Invitae Variant Classification Sherloc (09022015). Collection method: clinical testing. Allele origin: germline.
Comment: This sequence change replaces serine, which is neutral and polar, with proline, which is neutral and non-polar, at codon 529 of the DNM1L protein (p.Ser529Pro). The frequency data for this variant in the population databases is considered unreliable, as metrics indicate poor data quality at this position in the gnomAD database. This variant has not been reported in the literature in individuals affected with DNM1L-related conditions. ClinVar contains an entry for this variant (Variation ID: 1427201). An algorithm developed to predict the effect of missense changes on protein structure and function outputs the following: PolyPhen-2: "Benign". The proline amino acid residue is found in multiple mammalian species, which suggests that this missense change does not adversely affect protein function. In summary, the available evidence is currently insufficient to determine the role of this variant in disease. Therefore, it has been classified as a Variant of Uncertain Significance.

Ambry Genetics
Classification: Uncertain significance for Inborn genetic diseases. Last evaluated: 2022-04-07. Review status: criteria provided, single submitter. Criteria: Ambry Variant Classification Scheme 2023. Collection method: clinical testing. Allele origin: germline.

NM_012062.5(DNM1L):c.1585T>C (p.Ser529Pro)

Gene: DNM1L (dynamin 1 like; plus strand). Cytogenetic location: 12p11.21.
Variant type: single nucleotide variant.
Coding change: c.1585T>C on transcript NM_012062.5 (MANE Select); coding-DNA position 1585, T replaced by C.
Protein change: p.Ser529Pro; replaces serine 529 with proline.
Molecular consequence: missense variant.
Genome position (GRCh38, 1-based): chr12:32,737,150, T>C. VCF-style: chr12-32737150-T-C. GRCh37 (hg19) VCF-style: chr12-32890084-T-C.
Other names: c.1585T>C, p.Ser529Pro (NM_001278463.2, NM_005690.5, NM_012063.4); c.1624T>C, p.Ser542Pro (NM_001278464.2, NM_001278465.2, NM_001330380.2); c.976T>C, p.Ser326Pro (NM_001278466.2); c.1585T>C (NM_012062.3); short protein forms S326P, S529P, S542P.
Identifiers: ClinVar variation 1427201 (VCV001427201.9), dbSNP rs1334908137, ClinGen allele CA384360756.